The following is an entry in ClinVar:

NM_000059.4(BRCA2):c.460C>T (p.Gln154Ter)

Gene: BRCA2 (BRCA2 DNA repair associated; plus strand). Cytogenetic location: 13q13.1.
Variant type: single nucleotide variant.
Coding change: c.460C>T on transcript NM_000059.4 (MANE Select); coding-DNA position 460, C replaced by T.
Protein change: p.Gln154Ter; replaces glutamine 154 with a stop codon.
Molecular consequence: nonsense.
Genome position (GRCh38, 1-based): chr13:32,326,135, C>T. VCF-style: chr13-32326135-C-T. GRCh37 (hg19) VCF-style: chr13-32900272-C-T.
Other names: c.460C>T, p.Gln154Ter (NM_001406719.1, NM_001406720.1, NM_001406721.1); c.91C>T, p.Gln31Ter (NM_001406722.1); short protein forms Q154*, Q31*.
Identifiers: ClinVar variation 2019096 (VCV002019096.4), dbSNP rs2137449637, ClinGen allele CA387757153.
Genomic context (GRCh38, chr13:32,326,135, plus strand): 5'-AAGGGATTTGCTTTGTTTTATTTTAGTCCTGTTGTTCTACAATGTACACATGTAACACCA[C>T]AAAGAGATAAGTCAGGTATGATTAAAAACAATGCTTTTTATTCTTAGAATACTAGAAATG-3'

ClinVar aggregate classification (germline): Pathogenic (1 of 4 stars; one submission).

Conditions:
Hereditary breast ovarian cancer syndrome. Also called: Breast and ovarian cancer; BRCA1- and BRCA2-Associated Hereditary Breast and Ovarian Cancer; Hereditary breast and ovarian cancer; Hereditary breast and ovarian cancer syndrome (HBOC); Hereditary breast and ovarian cancer syndrome; Hereditary breast and/or ovarian cancer syndrome. Identifiers: Orphanet 145, MedGen C0677776, MeSH D061325, MONDO:0003582. Disease mechanism: loss of function.

Submission:

Labcorp Genetics (formerly Invitae), Labcorp
Classification: Pathogenic for Hereditary breast ovarian cancer syndrome. Last evaluated: 2025-11-14. Review status: criteria provided, single submitter. Criteria: Invitae Variant Classification Sherloc (09022015). Collection method: clinical testing. Allele origin: germline.
Comment: This sequence change creates a premature translational stop signal (p.Gln154*) in the BRCA2 gene. It is expected to result in an absent or disrupted protein product. Loss-of-function variants in BRCA2 are known to be pathogenic (PMID: 20104584). This variant is not present in population databases (gnomAD no frequency). This variant has not been reported in the literature in individuals affected with BRCA2-related conditions. ClinVar contains an entry for this variant (Variation ID: 2019096). Algorithms developed to predict the effect of sequence changes on RNA splicing suggest that this variant may disrupt the consensus splice site. For these reasons, this variant has been classified as Pathogenic.

Literature cited by the submitters: PubMed 20104584.